The following is an entry in ClinVar:

ClinVar aggregate classification (germline): Uncertain significance (1 of 4 stars; one submission).

Conditions:
Hereditary cancer-predisposing syndrome. Also called: Hereditary neoplastic syndrome; Neoplastic Syndromes, Hereditary; Tumor predisposition; Hereditary Cancer Syndrome. Identifiers: Orphanet 140162, MedGen C0027672, MeSH D009386, MONDO:0015356.

gnomAD v4.1: 1 of 1,614,160 alleles (0.000062%); highest among the groups gnomAD compares: South Asian, 0.0011%; no homozygotes.

Submission:

Ambry Genetics
Classification: Uncertain significance for Hereditary cancer-predisposing syndrome. Last evaluated: 2024-12-16. Review status: criteria provided, single submitter. Criteria: Ambry Variant Classification Scheme 2023. Collection method: clinical testing. Allele origin: germline.
Comment: The p.L966V variant (also known as c.2896C>G), located in coding exon 14 of the BLM gene, results from a C to G substitution at nucleotide position 2896. The leucine at codon 966 is replaced by valine, an amino acid with highly similar properties. This amino acid position is conserved. In addition, the in silico prediction for this alteration is inconclusive. Based on the available evidence, the clinical significance of this variant remains unclear.

NM_000057.4(BLM):c.2896C>G (p.Leu966Val)

Gene: BLM (BLM RecQ like helicase; plus strand). Cytogenetic location: 15q26.1.
Variant type: single nucleotide variant.
Coding change: c.2896C>G on transcript NM_000057.4 (MANE Select); coding-DNA position 2896, C replaced by G.
Protein change: p.Leu966Val; replaces leucine 966 with valine.
Molecular consequence: missense variant.
Genome position (GRCh38, 1-based): chr15:90,790,721, C>G. VCF-style: chr15-90790721-C-G. GRCh37 (hg19) VCF-style: chr15-91333951-C-G.
Other names: c.2896C>G, p.Leu966Val (NM_001287246.2, NM_001287247.2); c.1771C>G, p.Leu591Val (NM_001287248.2); short protein forms L591V, L966V.
Identifiers: ClinVar variation 3824435 (VCV003824435.1).